The following is an entry in ClinVar:

NM_001042545.2(LTBP4):c.2977G>A (p.Gly993Ser)

Gene: LTBP4 (latent transforming growth factor beta binding protein 4; plus strand). Cytogenetic location: 19q13.2.
Variant type: single nucleotide variant.
Coding change: c.2977G>A on transcript NM_001042545.2 (MANE Select); coding-DNA position 2977, G replaced by A.
Protein change: p.Gly993Ser; replaces glycine 993 with serine.
Molecular consequence: missense variant.
Genome position (GRCh38, 1-based): chr19:40,617,132, G>A. VCF-style: chr19-40617132-G-A. GRCh37 (hg19) VCF-style: chr19-41123038-G-A.
Other names: c.3178G>A, p.Gly1060Ser (NM_001042544.1); c.3067G>A, p.Gly1023Ser (NM_003573.2); short protein forms G1060S, G993S, G1023S.
Identifiers: ClinVar variation 1942590 (VCV001942590.3), dbSNP rs753565181, ClinGen allele CA9448862.

ClinVar aggregate classification (germline): Uncertain significance. Review status: criteria provided, multiple submitters, no conflicts (2 of 4 stars). 2 submissions from 2 submitters: Uncertain significance (2). Last evaluated 2025-08-07.

Conditions:
Inborn genetic diseases. Identifiers: MedGen C0950123, MeSH D030342.

Allele frequency attached by ClinVar (database versions not stated): ExAC 0.00002; gnomAD exomes 0.00002; gnomAD 0.00007; TOPMed 0.00008.
gnomAD v4.1: 36 of 1,613,886 alleles (0.0022%); highest among the groups gnomAD compares: African/African-American, 0.029%; no homozygotes.

Submissions (2):

Ambry Genetics
Classification: Uncertain significance for Inborn genetic diseases. Last evaluated: 2025-08-07. Review status: criteria provided, single submitter. Criteria: Ambry Variant Classification Scheme 2023. Collection method: clinical testing. Allele origin: germline.

Labcorp Genetics (formerly Invitae), Labcorp
Classification: Uncertain significance. Last evaluated: 2022-04-10. Review status: criteria provided, single submitter. Criteria: Invitae Variant Classification Sherloc (09022015). Collection method: clinical testing. Allele origin: germline.
Comment: This sequence change replaces glycine, which is neutral and non-polar, with serine, which is neutral and polar, at codon 1023 of the LTBP4 protein (p.Gly1023Ser). This variant is present in population databases (rs753565181, gnomAD 0.02%). This variant has not been reported in the literature in individuals affected with LTBP4-related conditions. Experimental studies and prediction algorithms are not available or were not evaluated, and the functional significance of this variant is currently unknown. In summary, the available evidence is currently insufficient to determine the role of this variant in disease. Therefore, it has been classified as a Variant of Uncertain Significance.